The following is an entry in ClinVar:

NM_006269.2(RP1):c.5669C>T (p.Pro1890Leu)

Genes: RP1 (RP1 axonemal microtubule associated; plus strand), LOC126860392 (CDK7 strongly-dependent group 2 enhancer GRCh37_chr8:55541319-55542518; plus strand). Cytogenetic location: 8q12.1.
Variant type: single nucleotide variant.
Coding change: c.5669C>T on transcript NM_006269.2 (MANE Select); coding-DNA position 5669, C replaced by T.
Protein change: p.Pro1890Leu; replaces proline 1890 with leucine.
Molecular consequence: missense variant. On other transcripts: intron variant (1).
Genome position (GRCh38, 1-based): chr8:54,629,551, C>T. VCF-style: chr8-54629551-C-T. GRCh37 (hg19) VCF-style: chr8-55542111-C-T.
Other names: c.787+7263C>T (NM_001375654.1); short protein forms P1890L.
Identifiers: ClinVar variation 3685297 (VCV003685297.2).

ClinVar aggregate classification (germline): Uncertain significance (1 of 4 stars; one submission).

Submission:

Labcorp Genetics (formerly Invitae), Labcorp
Classification: Uncertain significance. Last evaluated: 2024-03-13. Review status: criteria provided, single submitter. Criteria: Invitae Variant Classification Sherloc (09022015). Collection method: clinical testing. Allele origin: germline.
Comment: This sequence change replaces proline, which is neutral and non-polar, with leucine, which is neutral and non-polar, at codon 1890 of the RP1 protein (p.Pro1890Leu). This variant is not present in population databases (gnomAD no frequency). This variant has not been reported in the literature in individuals affected with RP1-related conditions. An algorithm developed to predict the effect of missense changes on protein structure and function (PolyPhen-2) suggests that this variant is likely to be disruptive. In summary, the available evidence is currently insufficient to determine the role of this variant in disease. Therefore, it has been classified as a Variant of Uncertain Significance.